The following is an entry in ClinVar:

NM_003072.5(SMARCA4):c.459G>A (p.Pro153=)

Gene: SMARCA4 (SWI/SNF related BAF chromatin remodeling complex subunit ATPase 4; plus strand). Cytogenetic location: 19p13.2.
Variant type: single nucleotide variant.
Coding change: c.459G>A on transcript NM_003072.5 (MANE Select); coding-DNA position 459, G replaced by A.
Protein change: p.Pro153=; no amino-acid change (proline 153 retained).
Molecular consequence: synonymous variant. On other transcripts: non-coding transcript variant (1).
Genome position (GRCh38, 1-based): chr19:10,986,292, G>A. VCF-style: chr19-10986292-G-A. GRCh37 (hg19) VCF-style: chr19-11096968-G-A.
Other names: c.459G>A, p.Pro153= (NM_001128844.3, NM_001128845.2, NM_001128846.2 and 5 more transcripts).
Identifiers: ClinVar variation 238476 (VCV000238476.48), dbSNP rs372931195, ClinGen allele CA9203514.

ClinVar aggregate classification (germline): Benign/Likely benign. Review status: criteria provided, multiple submitters, no conflicts (2 of 4 stars). 9 submissions from 9 submitters: Benign (5); Likely benign (4). Last evaluated 2026-07-09.

Conditions:
Coffin-Siris syndrome. Identifiers: Orphanet 1465, MedGen C0265338, MONDO:0015452.
Hereditary cancer-predisposing syndrome. Also called: Hereditary Cancer Syndrome; Tumor predisposition; Hereditary neoplastic syndrome; Neoplastic Syndromes, Hereditary. Identifiers: Orphanet 140162, MedGen C0027672, MeSH D009386, MONDO:0015356.
Intellectual disability, autosomal dominant 16 (CSS4). Also called: COFFIN-SIRIS SYNDROME 4. Identifiers: Orphanet 1465, MedGen C3553249, MONDO:0013821, OMIM 614609.
Rhabdoid tumor predisposition syndrome 2 (RTPS2). Identifiers: Orphanet 231108, Orphanet 69077, MedGen C2750074, MONDO:0013224, OMIM 613325.

Allele frequency attached by ClinVar (database versions not stated): TOPMed 0.00006; ESP Exome Variant Server 0.00008.
gnomAD v4.1: 64 of 1,613,548 alleles (0.004%); highest among the groups gnomAD compares: Middle Eastern, 0.049%; no homozygotes.

Submissions (9):

Myriad Genetics, Inc.
Classification: Benign for Rhabdoid tumor predisposition syndrome 2. Last evaluated: 2026-07-09. Review status: criteria provided, single submitter. Criteria: Myriad Autosomal Dominant, Autosomal Recessive and X-Linked Classification Criteria (2023). Collection method: clinical testing. Allele origin: unknown.
Comment: This variant is considered benign. This variant is a silent/synonymous amino acid change and it is not expected to impact splicing.

Labcorp Genetics (formerly Invitae), Labcorp
Classification: Benign for Rhabdoid tumor predisposition syndrome 2. Last evaluated: 2026-01-28. Review status: criteria provided, single submitter. Criteria: Invitae Variant Classification Sherloc (09022015). Collection method: clinical testing. Allele origin: germline.

Quest Diagnostics Nichols Institute San Juan Capistrano
Classification: Benign. Last evaluated: 2025-07-02. Review status: criteria provided, single submitter. Criteria: Quest Diagnostics criteria. Collection method: clinical testing. Allele origin: unknown.

CeGaT Center for Human Genetics Tuebingen
Classification: Likely benign. Last evaluated: 2025-03-01. Review status: criteria provided, single submitter. Criteria: CeGaT Center For Human Genetics Tuebingen Variant Classification Criteria Version 2. Collection method: clinical testing. Allele origin: germline. Affected: yes. Observed: 2 variant alleles.
Comment: SMARCA4: BP4, BP7

Blueprint Genetics
Classification: Likely benign. Last evaluated: 2023-07-05. Review status: criteria provided, single submitter. Criteria: ACMG Guidelines, 2015. Collection method: clinical testing. Allele origin: germline.

Genome-Nilou Lab
Classification: Benign for Intellectual disability, autosomal dominant 16. Last evaluated: 2021-07-15. Review status: criteria provided, single submitter. Criteria: ACMG Guidelines, 2015. Collection method: clinical testing. Allele origin: germline. Affected: no.

Sema4
Classification: Likely benign for Hereditary cancer-predisposing syndrome. Last evaluated: 2020-08-26. Review status: criteria provided, single submitter. Criteria: Sema4 Curation Guidelines. Collection method: curation. Allele origin: germline.

Illumina Laboratory Services, Illumina
Classification: Benign for Coffin-Siris syndrome. Last evaluated: 2018-01-13. Review status: criteria provided, single submitter. Criteria: ICSL Variant Classification Criteria 13 December 2019. Collection method: clinical testing. Allele origin: germline.
Comment: This variant was observed in the ICSL laboratory as part of a predisposition screen in an ostensibly healthy population. It had not been previously curated by ICSL or reported in the Human Gene Mutation Database (HGMD: prior to June 1st, 2018), and was therefore a candidate for classification through an automated scoring system. Utilizing variant allele frequency, disease prevalence and penetrance estimates, and inheritance mode, an automated score was calculated to assess if this variant is too frequent to cause the disease. Based on the score and internal cut-off values, a variant classified as benign is not then subjected to further curation. The score for this variant resulted in a classification of benign for this disease.

Ambry Genetics
Classification: Likely benign for Hereditary cancer-predisposing syndrome. Last evaluated: 2015-10-19. Review status: criteria provided, single submitter. Criteria: Ambry Variant Classification Scheme 2023. Collection method: clinical testing. Allele origin: germline.